The following is an entry in ClinVar:

NM_178857.6(RP1L1):c.236G>A (p.Arg79His)

Gene: RP1L1 (RP1 like 1). Cytogenetic location: 8p23.1.
Variant type: single nucleotide variant.
Coding change: c.236G>A on transcript NM_178857.6 (MANE Select); coding-DNA position 236, G replaced by A.
Protein change: p.Arg79His; replaces arginine 79 with histidine.
Molecular consequence: missense variant.
Genome position (GRCh38, 1-based): chr8:10,622,966, C>T on the plus strand (G>A on the coding strand, the complement: RP1L1 is on the minus strand). VCF-style: chr8-10622966-C-T. GRCh37 (hg19) VCF-style: chr8-10480476-C-T.
Other names: short protein forms R79H.
Identifiers: ClinVar variation 1319694 (VCV001319694.13), dbSNP rs373251905, ClinGen allele CA4625803.

ClinVar aggregate classification (germline): Uncertain significance. Review status: criteria provided, multiple submitters, no conflicts (2 of 4 stars). 5 submissions from 5 submitters: Uncertain significance (4). 1 of the submissions does not count toward it. Last evaluated 2024-10-24.

Conditions:
Retinal dystrophy. Also called: Inherited retinal dystrophy. Identifiers: Orphanet 71862, MedGen C0854723, MeSH D058499, MONDO:0019118, HP:0000556.

Allele frequency attached by ClinVar (database versions not stated): TOPMed 0.00006; gnomAD 0.00007 and 0.00008; ESP Exome Variant Server 0.00008; gnomAD exomes 0.00008; ExAC 0.00009; 1000 Genomes Project 0.00020; 1000 Genomes Project 30x 0.00031.
gnomAD v4.1: 139 of 1,614,030 alleles (0.0086%); highest among the groups gnomAD compares: Middle Eastern, 0.083%; no homozygotes.

Submissions (5):

Blueprint Genetics
Classification: Uncertain significance. Last evaluated: 2024-10-24. Review status: criteria provided, single submitter. Criteria: ACMG Guidelines, 2015. Collection method: clinical testing. Allele origin: germline.

Labcorp Genetics (formerly Invitae), Labcorp
Classification: Uncertain significance. Last evaluated: 2024-09-14. Review status: criteria provided, single submitter. Criteria: Invitae Variant Classification Sherloc (09022015). Collection method: clinical testing. Allele origin: germline.
Comment: This sequence change replaces arginine, which is basic and polar, with histidine, which is basic and polar, at codon 79 of the RP1L1 protein (p.Arg79His). This variant is present in population databases (rs373251905, gnomAD 0.01%). This variant has not been reported in the literature in individuals affected with RP1L1-related conditions. ClinVar contains an entry for this variant (Variation ID: 1319694). Invitae Evidence Modeling of protein sequence and biophysical properties (such as structural, functional, and spatial information, amino acid conservation, physicochemical variation, residue mobility, and thermodynamic stability) has been performed for this missense variant. However, the output from this modeling did not meet the statistical confidence thresholds required to predict the impact of this variant on RP1L1 protein function. In summary, the available evidence is currently insufficient to determine the role of this variant in disease. Therefore, it has been classified as a Variant of Uncertain Significance.

Dept Of Ophthalmology, Nagoya University
Classification: Uncertain significance for Retinal dystrophy. Last evaluated: 2023-10-01. Review status: criteria provided, single submitter. Criteria: Submitter's publication. Collection method: research. Allele origin: germline. Affected: yes.

Institute for Clinical Genetics, University Hospital TU Dresden, University Hospital TU Dresden
Classification: Uncertain significance. Last evaluated: 2021-11-03. Review status: criteria provided, single submitter. Criteria: ACMG Guidelines, 2015. Collection method: clinical testing. Allele origin: germline.

Institute of Human Genetics, Univ. Regensburg, Univ. Regensburg
Classification: Uncertain significance for Retinal dystrophy. Last evaluated: 2022-01-01. Review status: no assertion criteria provided. Criteria: ACMG Guidelines, 2015. Collection method: clinical testing. Allele origin: germline. Affected: yes. Not counted in ClinVar's aggregate classification.